The following is an entry in ClinVar:

ClinVar aggregate classification (germline): Likely benign (1 of 4 stars; one submission).

Conditions:
ALMS1-related disorder. Also called: ALMS1-related condition.

gnomAD v4.1: 1 of 1,614,118 alleles (0.000062%); highest among the groups gnomAD compares: African/African-American, 0.0013%; no homozygotes.

Submission:

PreventionGenetics, part of Exact Sciences
Classification: Likely benign for ALMS1-related condition. Last evaluated: 2026-08-24. Review status: criteria provided, single submitter. Criteria: ACMG Guidelines, 2015. Collection method: clinical testing. Allele origin: germline.
Comment: This variant is classified as likely benign based on ACMG/AMP sequence variant interpretation guidelines (Richards et al. 2015 PMID: 25741868, with internal and published modifications).

NM_001378454.1(ALMS1):c.7695A>G (p.Gly2565=)

Gene: ALMS1 (ALMS1 centrosome and basal body associated protein; plus strand). Cytogenetic location: 2p13.1.
Variant type: single nucleotide variant.
Coding change: c.7695A>G on transcript NM_001378454.1 (MANE Select); coding-DNA position 7695, A replaced by G.
Protein change: p.Gly2565=; no amino-acid change (glycine 2565 retained).
Molecular consequence: synonymous variant.
Genome position (GRCh38, 1-based): chr2:73,489,654, A>G. VCF-style: chr2-73489654-A-G. GRCh37 (hg19) VCF-style: chr2-73716781-A-G.
Other names: c.7698A>G, p.Gly2566= (NM_015120.4).
Identifiers: ClinVar variation 4998477 (VCV004998477.1).